The following is an entry in ClinVar:

NM_001572.5(IRF7):c.466G>C (p.Gly156Arg)

Gene: IRF7 (interferon regulatory factor 7; minus strand). Cytogenetic location: 11p15.5.
Variant type: single nucleotide variant.
Coding change: c.466G>C on transcript NM_001572.5 (MANE Select); coding-DNA position 466, G replaced by C.
Protein change: p.Gly156Arg; replaces glycine 156 with arginine.
Molecular consequence: missense variant.
Genome position (GRCh38, 1-based): chr11:614,387, C>G on the plus strand (G>C on the coding strand, the complement: IRF7 is on the minus strand). VCF-style: chr11-614387-C-G. GRCh37 (hg19) VCF-style: chr11-614387-C-G.
Other names: c.466G>C, p.Gly156Arg (NM_004029.4); c.505G>C, p.Gly169Arg (NM_004031.4); short protein forms G156R, G169R.
Identifiers: ClinVar variation 1025304 (VCV001025304.8), dbSNP rs368263474, ClinGen allele CA5783935.

ClinVar aggregate classification (germline): Uncertain significance (1 of 4 stars; one submission).

Conditions:
Immunodeficiency 39 (IMD39). Identifiers: Orphanet 574918, MedGen C4225358, MONDO:0014597, OMIM 616345.

Allele frequency attached by ClinVar (database versions not stated): ExAC 0.00001; gnomAD 0.00003 and 0.00004; TOPMed 0.00006; ESP Exome Variant Server 0.00008.

Submission:

Labcorp Genetics (formerly Invitae), Labcorp
Classification: Uncertain significance for Immunodeficiency 39. Last evaluated: 2022-07-19. Review status: criteria provided, single submitter. Criteria: Invitae Variant Classification Sherloc (09022015). Collection method: clinical testing. Allele origin: germline.
Comment: In summary, the available evidence is currently insufficient to determine the role of this variant in disease. Therefore, it has been classified as a Variant of Uncertain Significance. Algorithms developed to predict the effect of missense changes on protein structure and function output the following: SIFT: "Tolerated"; PolyPhen-2: "Benign"; Align-GVGD: "Class C0". The arginine amino acid residue is found in multiple mammalian species, which suggests that this missense change does not adversely affect protein function. ClinVar contains an entry for this variant (Variation ID: 1025304). This variant has not been reported in the literature in individuals affected with IRF7-related conditions. This variant is present in population databases (rs368263474, gnomAD 0.01%). This sequence change replaces glycine, which is neutral and non-polar, with arginine, which is basic and polar, at codon 169 of the IRF7 protein (p.Gly169Arg).